The following is an entry in ClinVar:

ClinVar aggregate classification (germline): Uncertain significance. Review status: criteria provided, multiple submitters, no conflicts (2 of 4 stars). 2 submissions from 2 submitters: Uncertain significance (2). Last evaluated 2024-01-25.

Conditions:
Microvascular complications of diabetes, susceptibility to, 3. Identifiers: MedGen C2675470, MONDO:0012963, OMIM 612624.
Hemorrhage, intracerebral, susceptibility to (ICH). Also called: Stroke, hemorrhagic, susceptibility to. Identifiers: MedGen C3281105, MONDO:0100533, OMIM 614519.
Renal tubular dysgenesis of genetic origin. Also called: PRIMITIVE RENAL TUBULE SYNDROME. Identifiers: Orphanet 97369, MedGen C5681536, MONDO:0009970, OMIM 267430.

Allele frequency attached by ClinVar (database versions not stated): TOPMed 0.00002; gnomAD 0.00003; ExAC 0.00031.

Submissions (2):

Fulgent Genetics
Classification: Uncertain significance for Renal tubular dysgenesis of genetic origin; Microvascular complications of diabetes, susceptibility to, 3; Hemorrhage, intracerebral, susceptibility to. Last evaluated: 2024-01-25. Review status: criteria provided, single submitter. Criteria: ACMG Guidelines, 2015. Collection method: clinical testing. Allele origin: germline.

Labcorp Genetics (formerly Invitae), Labcorp
Classification: Uncertain significance. Last evaluated: 2022-08-09. Review status: criteria provided, single submitter. Criteria: Invitae Variant Classification Sherloc (09022015). Collection method: clinical testing. Allele origin: germline.
Comment: In summary, the available evidence is currently insufficient to determine the role of this variant in disease. Therefore, it has been classified as a Variant of Uncertain Significance. Algorithms developed to predict the effect of missense changes on protein structure and function are either unavailable or do not agree on the potential impact of this missense change (SIFT: "Deleterious"; PolyPhen-2: "Possibly Damaging"; Align-GVGD: "Class C0"). This sequence change replaces arginine, which is basic and polar, with cysteine, which is neutral and slightly polar, at codon 1256 of the ACE protein (p.Arg1256Cys). This variant is present in population databases (rs763049172, gnomAD 0.06%). This variant has not been reported in the literature in individuals affected with ACE-related conditions.

NM_000789.4(ACE):c.3766C>T (p.Arg1256Cys)

Gene: ACE (angiotensin I converting enzyme; plus strand). Cytogenetic location: 17q23.3.
Variant type: single nucleotide variant.
Coding change: c.3766C>T on transcript NM_000789.4 (MANE Select); coding-DNA position 3766, C replaced by T.
Protein change: p.Arg1256Cys; replaces arginine 1256 with cysteine.
Molecular consequence: missense variant. On other transcripts: non-coding transcript variant (1).
Genome position (GRCh38, 1-based): chr17:63,497,211, C>T. VCF-style: chr17-63497211-C-T. GRCh37 (hg19) VCF-style: chr17-61574572-C-T.
Other names: c.1921C>T, p.Arg641Cys (NM_001178057.2); c.3199C>T, p.Arg1067Cys (NM_001382700.1); c.2914C>T, p.Arg972Cys (NM_001382701.1); c.1381C>T, p.Arg461Cys (NM_001382702.1); c.2044C>T, p.Arg682Cys (NM_152830.3); short protein forms R1256C, R461C, R682C, R1067C, R641C, R972C.
Identifiers: ClinVar variation 2148480 (VCV002148480.5), dbSNP rs763049172, ClinGen allele CA8700658.